The following is an entry in ClinVar:

NM_017636.4(TRPM4):c.1576G>A (p.Asp526Asn)

Gene: TRPM4 (transient receptor potential cation channel subfamily M member 4; plus strand). Cytogenetic location: 19q13.33.
Variant type: single nucleotide variant.
Coding change: c.1576G>A on transcript NM_017636.4 (MANE Select); coding-DNA position 1576, G replaced by A.
Protein change: p.Asp526Asn; replaces aspartic acid 526 with asparagine.
Molecular consequence: missense variant. On other transcripts: intron variant (1).
Genome position (GRCh38, 1-based): chr19:49,182,890, G>A. VCF-style: chr19-49182890-G-A. GRCh37 (hg19) VCF-style: chr19-49686147-G-A.
Other names: c.1576G>A, p.Asp526Asn (NM_001195227.2); c.1231G>A, p.Asp411Asn (NM_001321281.2); c.1054G>A, p.Asp352Asn (NM_001321283.2); c.514G>A, p.Asp172Asn (NM_001321285.2); c.-1+23G>A (NM_001321282.2); short protein forms D172N, D352N, D411N, D526N.
Identifiers: ClinVar variation 4737972 (VCV004737972.1).

ClinVar aggregate classification (germline): Uncertain significance (1 of 4 stars; one submission).

Conditions:
Progressive familial heart block type IB (PFHB1B). Identifiers: Orphanet 871, MedGen C1970298, MONDO:0011474, OMIM 604559.

Submission:

Labcorp Genetics (formerly Invitae), Labcorp
Classification: Uncertain significance for Progressive familial heart block type IB. Last evaluated: 2025-12-09. Review status: criteria provided, single submitter. Criteria: Invitae Variant Classification Sherloc (09022015). Collection method: clinical testing. Allele origin: germline.
Comment: This sequence change replaces aspartic acid, which is acidic and polar, with asparagine, which is neutral and polar, at codon 526 of the TRPM4 protein (p.Asp526Asn). This variant is not present in population databases (gnomAD no frequency). This variant has not been reported in the literature in individuals affected with TRPM4-related conditions. An algorithm developed to predict the effect of missense changes on protein structure and function (PolyPhen-2) suggests that this variant is likely to be tolerated. In summary, the available evidence is currently insufficient to determine the role of this variant in disease. Therefore, it has been classified as a Variant of Uncertain Significance.